The following is an entry in ClinVar:

ClinVar aggregate classification (germline): Uncertain significance (1 of 4 stars; one submission).

Submission:

Labcorp Genetics (formerly Invitae), Labcorp
Classification: Uncertain significance. Last evaluated: 2022-03-12. Review status: criteria provided, single submitter. Criteria: Invitae Variant Classification Sherloc (09022015). Collection method: clinical testing. Allele origin: germline.
Comment: This sequence change replaces aspartic acid, which is acidic and polar, with glycine, which is neutral and non-polar, at codon 824 of the MERTK protein (p.Asp824Gly). This variant is not present in population databases (gnomAD no frequency). In summary, the available evidence is currently insufficient to determine the role of this variant in disease. Therefore, it has been classified as a Variant of Uncertain Significance. Algorithms developed to predict the effect of missense changes on protein structure and function output the following: SIFT: "Deleterious"; PolyPhen-2: "Benign"; Align-GVGD: "Class C65". The glycine amino acid residue is found in multiple mammalian species, which suggests that this missense change does not adversely affect protein function. This variant has not been reported in the literature in individuals affected with MERTK-related conditions.

NM_006343.3(MERTK):c.2471A>G (p.Asp824Gly)

Gene: MERTK (MER proto-oncogene, tyrosine kinase; plus strand). Cytogenetic location: 2q13.
Variant type: single nucleotide variant.
Coding change: c.2471A>G on transcript NM_006343.3 (MANE Select); coding-DNA position 2471, A replaced by G.
Protein change: p.Asp824Gly; replaces aspartic acid 824 with glycine.
Molecular consequence: missense variant.
Genome position (GRCh38, 1-based): chr2:112,022,379, A>G. VCF-style: chr2-112022379-A-G. GRCh37 (hg19) VCF-style: chr2-112779956-A-G.
Other names: short protein forms D824G.
Identifiers: ClinVar variation 2110320 (VCV002110320.4), dbSNP rs2466917092, ClinGen allele CA348240236.